The following is an entry in ClinVar:

NM_000465.4(BARD1):c.737C>T (p.Pro246Leu)

Gene: BARD1 (BRCA1 associated RING domain 1; minus strand). Cytogenetic location: 2q35.
Variant type: single nucleotide variant.
Coding change: c.737C>T on transcript NM_000465.4 (MANE Select); coding-DNA position 737, C replaced by T.
Protein change: p.Pro246Leu; replaces proline 246 with leucine.
Molecular consequence: missense variant. On other transcripts: non-coding transcript variant (2), intron variant (3).
Genome position (GRCh38, 1-based): chr2:214,781,137, G>A on the plus strand (C>T on the coding strand, the complement: BARD1 is on the minus strand). VCF-style: chr2-214781137-G-A. GRCh37 (hg19) VCF-style: chr2-215645861-G-A.
Other names: c.680C>T, p.Pro227Leu (NM_001282543.2); c.158+28275C>T (NM_001282548.2); c.215+15924C>T (NM_001282545.2); c.364+11160C>T (NM_001282549.2); c.737C>T (NM_000465.2); short protein forms P227L, P246L.
Identifiers: ClinVar variation 924532 (VCV000924532.10), dbSNP rs151325889, ClinGen allele CA350456127.

ClinVar aggregate classification (germline): Uncertain significance. Review status: criteria provided, multiple submitters, no conflicts (2 of 4 stars). 3 submissions from 3 submitters: Uncertain significance (3). Last evaluated 2023-06-03.

Conditions:
Hereditary cancer-predisposing syndrome. Also called: Neoplastic Syndromes, Hereditary; Tumor predisposition; Hereditary Cancer Syndrome; Hereditary neoplastic syndrome. Identifiers: Orphanet 140162, MedGen C0027672, MeSH D009386, MONDO:0015356.
Familial cancer of breast. Also called: BREAST CANCER, FAMILIAL; Hereditary breast cancer; hereditary breast carcinoma. Identifiers: Orphanet 227535, MedGen C0346153, MONDO:0016419, OMIM 114480. Disease mechanism: loss of function.

Submissions (3):

Labcorp Genetics (formerly Invitae), Labcorp
Classification: Uncertain significance for Familial cancer of breast. Last evaluated: 2023-06-03. Review status: criteria provided, single submitter. Criteria: Invitae Variant Classification Sherloc (09022015). Collection method: clinical testing. Allele origin: germline.
Comment: In summary, the available evidence is currently insufficient to determine the role of this variant in disease. Therefore, it has been classified as a Variant of Uncertain Significance. An algorithm developed to predict the effect of missense changes on protein structure and function (PolyPhen-2) suggests that this variant is likely to be tolerated. ClinVar contains an entry for this variant (Variation ID: 924532). This variant has not been reported in the literature in individuals affected with BARD1-related conditions. This variant is not present in population databases (gnomAD no frequency). This sequence change replaces proline, which is neutral and non-polar, with leucine, which is neutral and non-polar, at codon 246 of the BARD1 protein (p.Pro246Leu).

Ambry Genetics
Classification: Uncertain significance for Hereditary cancer-predisposing syndrome. Last evaluated: 2020-08-05. Review status: criteria provided, single submitter. Criteria: Ambry Variant Classification Scheme 2023. Collection method: clinical testing. Allele origin: germline.
Comment: The p.P246L variant (also known as c.737C>T), located in coding exon 4 of the BARD1 gene, results from a C to T substitution at nucleotide position 737. The proline at codon 246 is replaced by leucine, an amino acid with similar properties. This amino acid position is not well conserved in available vertebrate species. In addition, this alteration is predicted to be tolerated by in silico analysis. Since supporting evidence is limited at this time, the clinical significance of this alteration remains unclear.

Color Diagnostics, LLC DBA Color Health
Classification: Uncertain significance for Hereditary cancer-predisposing syndrome. Last evaluated: 2019-08-30. Review status: criteria provided, single submitter. Criteria: ACMG Guidelines, 2015. Collection method: clinical testing. Allele origin: germline.
Comment: This missense variant replaces proline with leucine at codon 246 of the BARD1 protein. Computational prediction tools and conservation analyses suggest that this variant may not impact protein structure and function. Splice site prediction tools suggest that this variant may not impact RNA splicing. To our knowledge, functional studies have not been performed for this variant. This variant has not been reported in individuals affected with hereditary cancer in the literature. This variant has not been identified in the general population by the Genome Aggregation Database (gnomAD). The available evidence is insufficient to determine the role of this variant in disease conclusively. Therefore, this variant is classified as a Variant of Uncertain Significance.